The following is an entry in ClinVar:

NM_057088.3(KRT3):c.1224G>A (p.Gly408=)

Genes: KRT3 (keratin 3; minus strand), LOC126861527 (BRD4-independent group 4 enhancer GRCh37_chr12:53184490-53185689; plus strand). Cytogenetic location: 12q13.13.
Variant type: single nucleotide variant.
Coding change: c.1224G>A on transcript NM_057088.3 (MANE Select); coding-DNA position 1224, G replaced by A.
Protein change: p.Gly408=; no amino-acid change (glycine 408 retained).
Molecular consequence: synonymous variant.
Genome position (GRCh38, 1-based): chr12:52,791,781, C>T on the plus strand (G>A on the coding strand, the complement: KRT3 is on the minus strand). VCF-style: chr12-52791781-C-T. GRCh37 (hg19) VCF-style: chr12-53185565-C-T.
Identifiers: ClinVar variation 3039625 (VCV003039625.2), dbSNP rs201333279, ClinGen allele CA6587978.

ClinVar aggregate classification (germline): Likely benign (0 of 4 stars; one submission).

Conditions:
KRT3-related disorder. Also called: KRT3-related condition.

Allele frequency attached by ClinVar (database versions not stated): TOPMed 0.00002; gnomAD 0.00006; ExAC 0.00007.
gnomAD v4.1: 89 of 1,614,054 alleles (0.0055%); highest among the groups gnomAD compares: South Asian, 0.082%; 1 homozygote.

Submission:

PreventionGenetics, part of Exact Sciences
Classification: Likely benign for KRT3-related condition. Last evaluated: 2019-05-28. Review status: no assertion criteria provided. Collection method: clinical testing. Allele origin: germline.
Comment: This variant is classified as likely benign based on ACMG/AMP sequence variant interpretation guidelines (Richards et al. 2015 PMID: 25741868, with internal and published modifications).